The following is an entry in ClinVar:

ClinVar aggregate classification (germline): Likely pathogenic (1 of 4 stars; one submission).

Conditions:
Hypohidrotic X-linked ectodermal dysplasia (XHED). Also called: ECTODERMAL DYSPLASIA, HYPOHIDROTIC, 1; CST SYNDROME; Ectodermal Dysplasia 1, Anhidrotic; Christ-Siemans-Touraine syndrome; Anhidrotic ectodermal dysplasia X-linked; Christ Siemens Touraine syndrome. Identifiers: Orphanet 181, Orphanet 238468, MedGen C0162359, MONDO:0010585, OMIM 305100.

Submission:

Institute of Human Genetics, University of Leipzig Medical Center
Classification: Likely pathogenic for Hypohidrotic X-linked ectodermal dysplasia. Last evaluated: 2024-03-18. Review status: criteria provided, single submitter. Criteria: ACMG Guidelines, 2015. Collection method: clinical testing. Allele origin: unknown. Inheritance: X-linked recessive inheritance. Affected: yes.
Comment: Criteria applied: PVS1,PM2_SUP

NM_001399.5(EDA):c.254dup (p.Thr86fs)

Gene: EDA (ectodysplasin A; plus strand). Cytogenetic location: Xq13.1.
Variant type: Duplication.
Coding change: c.254dup on transcript NM_001399.5 (MANE Select); coding-DNA position 254, one base duplicated (G; older notation c.254dupG).
Protein change: p.Thr86fs; shifts the reading frame from threonine 86.
Molecular consequence: frameshift variant.
Genome position (GRCh38, 1-based): chrX:69,616,562, G duplicated; the last of 2 consecutive G bases (chrX:69,616,561-69,616,562); duplicating either gives the same sequence. VCF-style (leftmost placement, unchanged base first): chrX-69616560-T-TG. GRCh37 (hg19) VCF-style: chrX-68836404-T-TG.
Other names: c.254dup, p.Thr86fs (NM_001005609.2, NM_001005610.4, NM_001005612.3 and 1 more transcripts); c.254dup, p.Thr86Hisfs (NM_001005615.1); short protein forms T86fs.
Identifiers: ClinVar variation 3068478 (VCV003068478.2), dbSNP rs2519670739, ClinGen allele CA2825002959.